The following is an entry in ClinVar:

ClinVar aggregate classification (germline): Uncertain significance. Review status: criteria provided, multiple submitters, no conflicts (2 of 4 stars). 2 submissions from 2 submitters: Uncertain significance (2). Last evaluated 2023-06-14.

Conditions:
Hereditary cancer-predisposing syndrome. Also called: Hereditary neoplastic syndrome; Neoplastic Syndromes, Hereditary; Hereditary Cancer Syndrome; Tumor predisposition. Identifiers: Orphanet 140162, MedGen C0027672, MeSH D009386, MONDO:0015356.
Ataxia-telangiectasia syndrome (AT). Also called: Ataxia-telangiectasia, complementation group D; Ataxia telangiectasia (A-T); Cerebello-oculocutaneous telangiectasia; Immunodeficiency with ataxia telangiectasia; ATAXIA-TELANGIECTASIA, COMPLEMENTATION GROUP A; ATAXIA-TELANGIECTASIA, FRESNO VARIANT. Identifiers: Orphanet 100, MedGen C0004135, MONDO:0008840, OMIM 208900.

Submissions (2):

Labcorp Genetics (formerly Invitae), Labcorp
Classification: Uncertain significance for Ataxia-telangiectasia syndrome. Last evaluated: 2023-06-14. Review status: criteria provided, single submitter. Criteria: Invitae Variant Classification Sherloc (09022015). Collection method: clinical testing. Allele origin: germline.
Comment: This variant is not present in population databases (gnomAD no frequency). In summary, the available evidence is currently insufficient to determine the role of this variant in disease. Therefore, it has been classified as a Variant of Uncertain Significance. This variant disrupts the p.Thr1743 amino acid residue in ATM. Other variant(s) that disrupt this residue have been determined to be pathogenic (PMID: 9463314, 17968022, 19147735, 19431188, 19781682, 21792198, 21933854, 27978560, 30303537, 31921190). This suggests that this residue is clinically significant, and that variants that disrupt this residue are likely to be disease-causing. An algorithm developed to predict the effect of missense changes on protein structure and function (PolyPhen-2) suggests that this variant is likely to be tolerated. ClinVar contains an entry for this variant (Variation ID: 1389273). This variant has not been reported in the literature in individuals affected with ATM-related conditions. This sequence change replaces threonine, which is neutral and polar, with serine, which is neutral and polar, at codon 1743 of the ATM protein (p.Thr1743Ser).

Ambry Genetics
Classification: Uncertain significance for Hereditary cancer-predisposing syndrome. Last evaluated: 2023-01-31. Review status: criteria provided, single submitter. Criteria: Ambry Variant Classification Scheme 2023. Collection method: clinical testing. Allele origin: germline.
Comment: The p.T1743S variant (also known as c.5227A>T), located in coding exon 34 of the ATM gene, results from an A to T substitution at nucleotide position 5227. The threonine at codon 1743 is replaced by serine, an amino acid with similar properties. This amino acid position is highly conserved in available vertebrate species. In addition, the in silico prediction for this alteration is inconclusive. Since supporting evidence is limited at this time, the clinical significance of this alteration remains unclear.

Literature cited by the submitters: PubMed 9463314 (cited by Labcorp Genetics (formerly Invitae), Labcorp); PubMed 17968022 (cited by Labcorp Genetics (formerly Invitae), Labcorp); PubMed 19147735 (cited by Labcorp Genetics (formerly Invitae), Labcorp); PubMed 19431188 (cited by Labcorp Genetics (formerly Invitae), Labcorp); PubMed 19781682 (cited by Labcorp Genetics (formerly Invitae), Labcorp); PubMed 21792198 (cited by Labcorp Genetics (formerly Invitae), Labcorp); PubMed 21933854 (cited by Labcorp Genetics (formerly Invitae), Labcorp); PubMed 27978560 (cited by Labcorp Genetics (formerly Invitae), Labcorp); PubMed 30303537 (cited by Labcorp Genetics (formerly Invitae), Labcorp); PubMed 31921190 (cited by Labcorp Genetics (formerly Invitae), Labcorp).

NM_000051.4(ATM):c.5227A>T (p.Thr1743Ser)

Gene: ATM (ATM serine/threonine kinase; plus strand). Cytogenetic location: 11q22.3.
Variant type: single nucleotide variant.
Coding change: c.5227A>T on transcript NM_000051.4 (MANE Select); coding-DNA position 5227, A replaced by T.
Protein change: p.Thr1743Ser; replaces threonine 1743 with serine.
Molecular consequence: missense variant.
Genome position (GRCh38, 1-based): chr11:108,301,697, A>T. VCF-style: chr11-108301697-A-T. GRCh37 (hg19) VCF-style: chr11-108172424-A-T.
Other names: c.5227A>T (NM_000051.3); c.5227A>T, p.Thr1743Ser (NM_001351834.2); short protein forms T1743S.
Identifiers: ClinVar variation 1389273 (VCV001389273.7), dbSNP rs758924620, ClinGen allele CA382542339.